The following is an entry in ClinVar:

ClinVar aggregate classification (germline): Uncertain significance (1 of 4 stars; one submission).

Allele frequency attached by ClinVar (database versions not stated): gnomAD exomes 0.00001 and 0.00004; ExAC 0.00002; gnomAD 0.00002; TOPMed 0.00002.
gnomAD v4.1: 70 of 1,613,920 alleles (0.0043%); highest among the groups gnomAD compares: Non-Finnish European, 0.0051%; no homozygotes.

Submission:

Labcorp Genetics (formerly Invitae), Labcorp
Classification: Uncertain significance. Last evaluated: 2021-02-18. Review status: criteria provided, single submitter. Criteria: Invitae Variant Classification Sherloc (09022015). Collection method: clinical testing. Allele origin: germline.
Comment: In summary, the available evidence is currently insufficient to determine the role of this variant in disease. Therefore, it has been classified as a Variant of Uncertain Significance. Algorithms developed to predict the effect of missense changes on protein structure and function output the following: SIFT: "Tolerated"; PolyPhen-2: "Benign"; Align-GVGD: "Class C0". The threonine amino acid residue is found in multiple mammalian species, suggesting that this missense change does not adversely affect protein function. These predictions have not been confirmed by published functional studies and their clinical significance is uncertain. This variant has not been reported in the literature in individuals with CSF2RB-related conditions. This variant is present in population databases (rs752737473, ExAC 0.003%). This sequence change replaces isoleucine with threonine at codon 772 of the CSF2RB protein (p.Ile772Thr). The isoleucine residue is weakly conserved and there is a moderate physicochemical difference between isoleucine and threonine.

NM_000395.3(CSF2RB):c.2315T>C (p.Ile772Thr)

Gene: CSF2RB (colony stimulating factor 2 receptor subunit beta; plus strand). Cytogenetic location: 22q12.3.
Variant type: single nucleotide variant.
Coding change: c.2315T>C on transcript NM_000395.3 (MANE Select); coding-DNA position 2315, T replaced by C.
Protein change: p.Ile772Thr; replaces isoleucine 772 with threonine.
Molecular consequence: missense variant.
Genome position (GRCh38, 1-based): chr22:36,938,123, T>C. VCF-style: chr22-36938123-T-C. GRCh37 (hg19) VCF-style: chr22-37334165-T-C.
Other names: short protein forms I772T.
Identifiers: ClinVar variation 1473531 (VCV001473531.8), dbSNP rs752737473, ClinGen allele CA10214086.